The following is an entry in ClinVar:

NM_018557.3(LRP1B):c.5043T>C (p.Asp1681=)

Gene: LRP1B (LDL receptor related protein 1B; minus strand). Cytogenetic location: 2q22.1.
Variant type: single nucleotide variant.
Coding change: c.5043T>C on transcript NM_018557.3 (MANE Select); coding-DNA position 5043, T replaced by C.
Protein change: p.Asp1681=; no amino-acid change (aspartic acid 1681 retained).
Molecular consequence: synonymous variant.
Genome position (GRCh38, 1-based): chr2:140,840,989, A>G on the plus strand (T>C on the coding strand, the complement: LRP1B is on the minus strand). VCF-style: chr2-140840989-A-G. GRCh37 (hg19) VCF-style: chr2-141598558-A-G.
Identifiers: ClinVar variation 3040016 (VCV003040016.2), dbSNP rs370461554, ClinGen allele CA1895025.

ClinVar aggregate classification (germline): Likely benign (0 of 4 stars; one submission).

Conditions:
LRP1B-related disorder. Also called: LRP1B-related condition.

Allele frequency attached by ClinVar (database versions not stated): gnomAD exomes below 0.00001; TOPMed 0.00001; ExAC 0.00002; gnomAD 0.00002; ESP Exome Variant Server 0.00008.
gnomAD v4.1: 9 of 1,613,510 alleles (0.00056%); highest among the groups gnomAD compares: African/African-American, 0.004%; no homozygotes.

Submission:

PreventionGenetics, part of Exact Sciences
Classification: Likely benign for LRP1B-related condition. Last evaluated: 2019-12-26. Review status: no assertion criteria provided. Collection method: clinical testing. Allele origin: germline.
Comment: This variant is classified as likely benign based on ACMG/AMP sequence variant interpretation guidelines (Richards et al. 2015 PMID: 25741868, with internal and published modifications).